The following is an entry in ClinVar:

ClinVar aggregate classification (germline): Likely benign. Review status: criteria provided, multiple submitters, no conflicts (2 of 4 stars). 5 submissions from 5 submitters: Likely benign (5). Last evaluated 2025-11-17.

Conditions:
Cardiomyopathy (CMYO). Also called: Cardiomyopathies. Identifiers: Orphanet 167848, MedGen C0878544, MONDO:0004994, HP:0001638. Inheritance: Various modes of inheritance.
Cardiovascular phenotype. Identifiers: MedGen CN230736.
Catecholaminergic polymorphic ventricular tachycardia (CVPT). Also called: Catecholamine-induced polymorphic ventricular tachycardia. Identifiers: Orphanet 3286, MedGen C5574922, MONDO:0017990.
Catecholaminergic polymorphic ventricular tachycardia 1. Also called: VENTRICULAR TACHYCARDIA, CATECHOLAMINERGIC POLYMORPHIC, 1, WITH OR WITHOUT ATRIAL DYSFUNCTION AND/OR DILATED CARDIOMYOPATHY; RYR2-Related Catecholaminergic Polymorphic Ventricular Tachycardia; VENTRICULAR TACHYCARDIA, STRESS-INDUCED POLYMORPHIC 1. Identifiers: Orphanet 3286, MedGen C1631597, MONDO:0011484, OMIM 604772.

Allele frequency attached by ClinVar (database versions not stated): gnomAD 0.00002; TOPMed 0.00005.
gnomAD v4.1: 16 of 1,613,852 alleles (0.00099%); highest among the groups gnomAD compares: Admixed American, 0.0033%; no homozygotes.

Submissions (5):

Labcorp Genetics (formerly Invitae), Labcorp
Classification: Likely benign for Catecholaminergic polymorphic ventricular tachycardia 1. Last evaluated: 2025-11-17. Review status: criteria provided, single submitter. Criteria: Invitae Variant Classification Sherloc (09022015). Collection method: clinical testing. Allele origin: germline.

All of Us Research Program, National Institutes of Health
Classification: Likely benign for Catecholaminergic polymorphic ventricular tachycardia. Last evaluated: 2023-11-28. Review status: criteria provided, single submitter. Criteria: ACMG Guidelines, 2015. Collection method: clinical testing. Allele origin: germline. Inheritance: Autosomal dominant inheritance. Observed: 5 variant alleles, 5 heterozygotes.
Comment: This study involves interpretation of variants in research participants for the purpose of population health screening. Participant phenotype was not available at the time of variant classification. Additional details can be found in publication PMID: 35346344, PMCID: PMC8962531

Ambry Genetics
Classification: Likely benign for Cardiovascular phenotype. Last evaluated: 2023-10-10. Review status: criteria provided, single submitter. Criteria: Ambry Variant Classification Scheme 2023. Collection method: clinical testing. Allele origin: germline.

Color Diagnostics, LLC DBA Color Health
Classification: Likely benign for Cardiomyopathy. Last evaluated: 2019-02-16. Review status: criteria provided, single submitter. Criteria: ACMG Guidelines, 2015. Collection method: clinical testing. Allele origin: germline.

GeneDx
Classification: Likely benign. Last evaluated: 2017-10-23. Review status: criteria provided, single submitter. Criteria: GeneDx Variant Classification (06012015). Collection method: clinical testing. Allele origin: germline. Affected: yes.
Comment: This variant is considered likely benign or benign based on one or more of the following criteria: it is a conservative change, it occurs at a poorly conserved position in the protein, it is predicted to be benign by multiple in silico algorithms, and/or has population frequency not consistent with disease.

NM_001035.3(RYR2):c.232C>T (p.Leu78=)

Gene: RYR2 (ryanodine receptor 2; plus strand). Cytogenetic location: 1q43.
Variant type: single nucleotide variant.
Coding change: c.232C>T on transcript NM_001035.3 (MANE Select); coding-DNA position 232, C replaced by T.
Protein change: p.Leu78=; no amino-acid change (leucine 78 retained).
Molecular consequence: synonymous variant.
Genome position (GRCh38, 1-based): chr1:237,330,941, C>T. VCF-style: chr1-237330941-C-T. GRCh37 (hg19) VCF-style: chr1-237494241-C-T.
Other names: c.232C>T, p.Leu78= (LRG_402t1).
Identifiers: ClinVar variation 512805 (VCV000512805.17), dbSNP rs1454549719, ClinGen allele CA423861542.